The following is an entry in ClinVar:

ClinVar aggregate classification (germline): Uncertain significance. Review status: criteria provided, multiple submitters, no conflicts (2 of 4 stars). 3 submissions from 3 submitters: Uncertain significance (2). 1 of the submissions does not count toward it. Last evaluated 2022-07-21.

Conditions:
Niemann-Pick disease, type C1. Also called: NEUROVISCERAL STORAGE DISEASE WITH VERTICAL SUPRANUCLEAR OPHTHALMOPLEGIA; NIEMANN-PICK DISEASE WITH CHOLESTEROL ESTERIFICATION BLOCK; NIEMANN-PICK DISEASE WITHOUT SPHINGOMYELINASE DEFICIENCY; NIEMANN-PICK DISEASE, CHRONIC NEURONOPATHIC FORM; NIEMANN-PICK DISEASE, VARIANT TYPE C1. Identifiers: Orphanet 646, MedGen C3179455, MONDO:0009757, OMIM 257220.

Allele frequency attached by ClinVar (database versions not stated): gnomAD 0.00001.
gnomAD v4.1: 1 of 1,614,186 alleles (0.000062%); highest among the groups gnomAD compares: South Asian, 0.0011%; no homozygotes.

Submissions (3):

Labcorp Genetics (formerly Invitae), Labcorp
Classification: Uncertain significance for Niemann-Pick disease, type C1. Last evaluated: 2022-07-21. Review status: criteria provided, single submitter. Criteria: Invitae Variant Classification Sherloc (09022015). Collection method: clinical testing. Allele origin: germline.
Comment: This sequence change replaces isoleucine, which is neutral and non-polar, with threonine, which is neutral and polar, at codon 190 of the NPC1 protein (p.Ile190Thr). This variant is not present in population databases (gnomAD no frequency). This variant has not been reported in the literature in individuals affected with NPC1-related conditions. ClinVar contains an entry for this variant (Variation ID: 498758). Algorithms developed to predict the effect of missense changes on protein structure and function are either unavailable or do not agree on the potential impact of this missense change (SIFT: "Deleterious"; PolyPhen-2: "Possibly Damaging"; Align-GVGD: "Class C0"). In summary, the available evidence is currently insufficient to determine the role of this variant in disease. Therefore, it has been classified as a Variant of Uncertain Significance.

Eurofins Ntd Llc (ga)
Classification: Uncertain significance. Last evaluated: 2016-12-22. Review status: criteria provided, single submitter. Criteria: EGL Classification Definitions 2015. Collection method: clinical testing. Allele origin: germline. Observed: 1 variant allele, 1 heterozygote.

Natera, Inc.
Classification: Uncertain significance for Niemann-Pick disease type C1. Last evaluated: 2020-06-02. Review status: no assertion criteria provided. Collection method: clinical testing. Allele origin: germline. Not counted in ClinVar's aggregate classification.

NM_000271.5(NPC1):c.569T>C (p.Ile190Thr)

Gene: NPC1 (NPC intracellular cholesterol transporter 1; minus strand). Cytogenetic location: 18q11.2.
Variant type: single nucleotide variant.
Coding change: c.569T>C on transcript NM_000271.5 (MANE Select); coding-DNA position 569, T replaced by C.
Protein change: p.Ile190Thr; replaces isoleucine 190 with threonine.
Molecular consequence: missense variant.
Genome position (GRCh38, 1-based): chr18:23,561,422, A>G on the plus strand (T>C on the coding strand, the complement: NPC1 is on the minus strand). VCF-style: chr18-23561422-A-G. GRCh37 (hg19) VCF-style: chr18-21141386-A-G.
Other names: short protein forms I190T.
Identifiers: ClinVar variation 498758 (VCV000498758.12), dbSNP rs1555638862, ClinGen allele CA401782303.